The following is an entry in ClinVar:

ClinVar aggregate classification (germline): Conflicting classifications of pathogenicity. Review status: criteria provided, conflicting classifications (1 of 4 stars). 5 submissions from 3 submitters: Uncertain significance (1); Benign (1); Likely benign (3). Last evaluated 2025-12-08.

Conditions:
Inborn genetic diseases. Identifiers: MedGen C0950123, MeSH D030342.
Paroxysmal extreme pain disorder (PEXPD). Also called: PAIN, SUBMANDIBULAR, OCULAR, AND RECTAL, WITH FLUSHING; RECTAL PAIN, FAMILIAL; SCN9A Paroxysmal Extreme Pain Disorder (SCN9A-PEPD). Identifiers: Orphanet 46348, MedGen C1833661, MONDO:0008179, OMIM 167400.
Channelopathy-associated congenital insensitivity to pain, autosomal recessive. Also called: Insensitivity to pain, channelopathy-associated; ASYMBOLIA FOR PAIN; CONGENITAL ANALGESIA, AUTOSOMAL RECESSIVE. Identifiers: Orphanet 88642, Orphanet 970, MedGen C1855739, MONDO:0009459, OMIM 243000.
Neuropathy, hereditary sensory and autonomic, type 2A (HSAN2A). Also called: MORVAN DISEASE; NEUROPATHY, CONGENITAL SENSORY; NEUROPATHY, HEREDITARY SENSORY RADICULAR, AUTOSOMAL RECESSIVE; NEUROPATHY, HEREDITARY SENSORY, TYPE IIA; NEUROPATHY, PROGRESSIVE SENSORY, OF CHILDREN; HSAN IIA. Identifiers: Orphanet 970, MedGen C2752089, MONDO:0024309, OMIM 201300.
Generalized epilepsy with febrile seizures plus, type 7 (GEFSP7). Also called: GEFS+, TYPE 7. Identifiers: Orphanet 36387, MedGen C2751778, MONDO:0013470, OMIM 613863.
Primary erythromelalgia. Also called: SCN9A Erythromelalgia (SCN9A-EM); primary erythermalgia. Identifiers: Orphanet 306577, Orphanet 90026, MedGen C0014805, MONDO:0007571, OMIM 133020.

Allele frequency attached by ClinVar (database versions not stated): gnomAD 0.00002; gnomAD exomes 0.00002; ExAC 0.00003; TOPMed 0.00004.
gnomAD v4.1: 157 of 1,612,844 alleles (0.0097%); highest among the groups gnomAD compares: Non-Finnish European, 0.013%; no homozygotes.

Submissions (5):

Labcorp Genetics (formerly Invitae), Labcorp
Classification: Likely benign for Neuropathy, hereditary sensory and autonomic, type 2A; Generalized epilepsy with febrile seizures plus, type 7. Last evaluated: 2025-12-08. Review status: criteria provided, single submitter. Criteria: Invitae Variant Classification Sherloc (09022015). Collection method: clinical testing. Allele origin: germline.

Ambry Genetics
Classification: Likely benign for Inborn genetic diseases. Last evaluated: 2019-07-11. Review status: criteria provided, single submitter. Criteria: Ambry Variant Classification Scheme 2023. Collection method: clinical testing. Allele origin: germline.

Illumina Laboratory Services, Illumina
Classification: Uncertain significance for Channelopathy-associated congenital insensitivity to pain, autosomal recessive. Last evaluated: 2018-01-13. Review status: criteria provided, single submitter. Criteria: ICSL Variant Classification Criteria 13 December 2019. Collection method: clinical testing. Allele origin: germline.

Illumina Laboratory Services, Illumina
Classification: Likely benign for Primary erythromelalgia. Last evaluated: 2018-01-13. Review status: criteria provided, single submitter. Criteria: ICSL Variant Classification Criteria 13 December 2019. Collection method: clinical testing. Allele origin: germline.
Comment: This variant was observed in the ICSL laboratory as part of a predisposition screen in an ostensibly healthy population. It had not been previously curated by ICSL or reported in the Human Gene Mutation Database (HGMD: prior to June 1st, 2018), and was therefore a candidate for classification through an automated scoring system. Utilizing variant allele frequency, disease prevalence and penetrance estimates, and inheritance mode, an automated score was calculated to assess if this variant is too frequent to cause the disease. Based on the score and internal cut-off values, a variant classified as likely benign is not then subjected to further curation. The score for this variant resulted in a classification of likely benign for this disease.

Illumina Laboratory Services, Illumina
Classification: Benign for Paroxysmal extreme pain disorder. Last evaluated: 2018-01-13. Review status: criteria provided, single submitter. Criteria: ICSL Variant Classification Criteria 13 December 2019. Collection method: clinical testing. Allele origin: germline.
Comment: This variant was observed in the ICSL laboratory as part of a predisposition screen in an ostensibly healthy population. It had not been previously curated by ICSL or reported in the Human Gene Mutation Database (HGMD: prior to June 1st, 2018), and was therefore a candidate for classification through an automated scoring system. Utilizing variant allele frequency, disease prevalence and penetrance estimates, and inheritance mode, an automated score was calculated to assess if this variant is too frequent to cause the disease. Based on the score and internal cut-off values, a variant classified as benign is not then subjected to further curation. The score for this variant resulted in a classification of benign for this disease.

NM_001365536.1(SCN9A):c.2496A>C (p.Ser832=)

Genes: SCN1A-AS1 (SCN1A and SCN9A antisense RNA 1; plus strand), SCN9A (sodium voltage-gated channel alpha subunit 9; minus strand). Cytogenetic location: 2q24.3.
Variant type: single nucleotide variant.
Coding change: c.2496A>C on transcript NM_001365536.1 (MANE Select); coding-DNA position 2496, A replaced by C.
Protein change: p.Ser832=; no amino-acid change (serine 832 retained).
Molecular consequence: synonymous variant.
Genome position (GRCh38, 1-based): chr2:166,278,161, T>G on the plus strand (A>C on the coding strand, the complement: SCN9A is on the minus strand). VCF-style: chr2-166278161-T-G. GRCh37 (hg19) VCF-style: chr2-167134671-T-G.
Other names: c.2463A>C, p.Ser821= (NM_002977.4).
Identifiers: ClinVar variation 331981 (VCV000331981.18), dbSNP rs200185692, ClinGen allele CA1944266.